The following is an entry in ClinVar:

NM_006766.5(KAT6A):c.5049G>A (p.Pro1683=)

Gene: KAT6A (lysine acetyltransferase 6A; minus strand). Cytogenetic location: 8p11.21.
Variant type: single nucleotide variant.
Coding change: c.5049G>A on transcript NM_006766.5 (MANE Select); coding-DNA position 5049, G replaced by A.
Protein change: p.Pro1683=; no amino-acid change (proline 1683 retained).
Molecular consequence: synonymous variant.
Genome position (GRCh38, 1-based): chr8:41,933,171, C>T on the plus strand (G>A on the coding strand, the complement: KAT6A is on the minus strand). VCF-style: chr8-41933171-C-T. GRCh37 (hg19) VCF-style: chr8-41790689-C-T.
Identifiers: ClinVar variation 2082599 (VCV002082599.17), dbSNP rs759107686, ClinGen allele CA4729370.

ClinVar aggregate classification (germline): Likely benign. Review status: criteria provided, multiple submitters, no conflicts (2 of 4 stars). 2 submissions from 2 submitters: Likely benign (2). Last evaluated 2025-12-16.

Allele frequency attached by ClinVar (database versions not stated): TOPMed 0.00001.
gnomAD v4.1: 73 of 1,591,982 alleles (0.0046%); highest among the groups gnomAD compares: Non-Finnish European, 0.0056%; no homozygotes.

Submissions (2):

Labcorp Genetics (formerly Invitae), Labcorp
Classification: Likely benign. Last evaluated: 2025-12-16. Review status: criteria provided, single submitter. Criteria: Invitae Variant Classification Sherloc (09022015). Collection method: clinical testing. Allele origin: germline.

CeGaT Center for Human Genetics Tuebingen
Classification: Likely benign. Last evaluated: 2025-01-01. Review status: criteria provided, single submitter. Criteria: CeGaT Center For Human Genetics Tuebingen Variant Classification Criteria Version 2. Collection method: clinical testing. Allele origin: germline. Affected: yes. Observed: 1 variant allele.
Comment: KAT6A: BP4, BP7